The following is an entry in ClinVar:

NM_033380.3(COL4A5):c.645+4A>G

Gene: COL4A5 (collagen type IV alpha 5 chain; plus strand). Cytogenetic location: Xq22.3.
Variant type: single nucleotide variant.
Coding change: c.645+4A>G on transcript NM_033380.3 (MANE Select); 4 bases into the intron after coding-DNA position 645, A replaced by G.
Molecular consequence: intron variant.
Genome position (GRCh38, 1-based): chrX:108,577,991, A>G. VCF-style: chrX-108577991-A-G. GRCh37 (hg19) VCF-style: chrX-107821221-A-G.
Other names: c.645+4A>G (NM_000495.5).
Identifiers: ClinVar variation 5040688 (VCV005040688.1).

ClinVar aggregate classification (germline): Likely benign (1 of 4 stars; one submission).

gnomAD v4.1: 3 of 1,203,321 alleles (0.00025%); highest among the groups gnomAD compares: African/African-American, 0.0053%; no homozygotes.

Submission:

CeGaT Center for Human Genetics Tuebingen
Classification: Likely benign. Last evaluated: 2026-08-01. Review status: criteria provided, single submitter. Criteria: CeGaT Center For Human Genetics Tuebingen Variant Classification Criteria Version 2. Collection method: clinical testing. Allele origin: germline. Affected: yes. Observed: 1 variant allele.
Comment: COL4A5: BP4